The following is an entry in ClinVar:

ClinVar aggregate classification (germline): Uncertain significance. Review status: criteria provided, multiple submitters, no conflicts (2 of 4 stars). 2 submissions from 2 submitters: Uncertain significance (2). Last evaluated 2022-01-28.

Conditions:
Basilicata-Akhtar syndrome. Also called: MENTAL RETARDATION, X-LINKED, SYNDROMIC, BASILICATA-AKHTAR TYPE; INTELLECTUAL DEVELOPMENTAL DISORDER, X-LINKED, SYNDROMIC, 36. Identifiers: MedGen C5231394, MONDO:0026730, OMIM 301032.

gnomAD v4.1: 6 of 1,185,342 alleles (0.00051%); highest among the groups gnomAD compares: Middle Eastern, 0.023%; no homozygotes.

Submissions (2):

Revvity Omics, Revvity
Classification: Uncertain significance for Basilicata-Akhtar syndrome. Last evaluated: 2022-01-28. Review status: criteria provided, single submitter. Criteria: ACMG Guidelines, 2015. Collection method: clinical testing. Allele origin: germline.

Greenwood Genetic Center Diagnostic Laboratories, Greenwood Genetic Center
Classification: Uncertain significance. Last evaluated: 2021-09-29. Review status: criteria provided, single submitter. Criteria: ACMG Guidelines, 2015. Collection method: clinical testing. Allele origin: germline. Affected: yes.
Comment: PM2

NM_078629.4(MSL3):c.367G>C (p.Glu123Gln)

Gene: MSL3 (MSL complex subunit 3; plus strand). Cytogenetic location: Xp22.2.
Variant type: single nucleotide variant.
Coding change: c.367G>C on transcript NM_078629.4 (MANE Select); coding-DNA position 367, G replaced by C.
Protein change: p.Glu123Gln; replaces glutamic acid 123 with glutamine.
Molecular consequence: missense variant. On other transcripts: initiator codon variant (1), 5 prime UTR variant (1).
Genome position (GRCh38, 1-based): chrX:11,760,922, G>C. VCF-style: chrX-11760922-G-C. GRCh37 (hg19) VCF-style: chrX-11779041-G-C.
Other names: c.331G>C, p.Glu111Gln (NM_001193270.2); c.3G>C, p.Met1Ile (NM_001282174.1); c.-132G>C (NM_006800.4); c.367G>C, p.Glu123Gln (NM_078628.2); short protein forms E111Q, E123Q, M1I.
Identifiers: ClinVar variation 1334581 (VCV001334581.7), dbSNP rs1455131872, ClinGen allele CA412063179.